The following is an entry in ClinVar:

ClinVar aggregate classification (germline): Likely benign (0 of 4 stars; one submission).

Conditions:
SLC34A3-related disorder. Also called: SLC34A3-related condition.

Submission:

PreventionGenetics, part of Exact Sciences
Classification: Likely benign for SLC34A3-related condition. Last evaluated: 2019-08-22. Review status: no assertion criteria provided. Collection method: clinical testing. Allele origin: germline.
Comment: This variant is classified as likely benign based on ACMG/AMP sequence variant interpretation guidelines (Richards et al. 2015 PMID: 25741868, with internal and published modifications).

NM_001177316.2(SLC34A3):c.925+21A>C

Gene: SLC34A3 (solute carrier family 34 member 3; plus strand). Cytogenetic location: 9q34.3.
Variant type: single nucleotide variant.
Coding change: c.925+21A>C on transcript NM_001177316.2 (MANE Select); 21 bases into the intron after coding-DNA position 925, A replaced by C.
Molecular consequence: intron variant.
Genome position (GRCh38, 1-based): chr9:137,233,962, A>C. VCF-style: chr9-137233962-A-C. GRCh37 (hg19) VCF-style: chr9-140128414-A-C.
Other names: c.925+21A>C (NM_001177317.2, NM_080877.3).
Identifiers: ClinVar variation 3052833 (VCV003052833.2), dbSNP rs1346063082, ClinGen allele CA591373921.